The following is an entry in ClinVar:

NM_022455.5(NSD1):c.2909A>G (p.Asp970Gly)

Gene: NSD1 (nuclear receptor binding SET domain protein 1; plus strand). Cytogenetic location: 5q35.3.
Variant type: single nucleotide variant.
Coding change: c.2909A>G on transcript NM_022455.5 (MANE Select); coding-DNA position 2909, A replaced by G.
Protein change: p.Asp970Gly; replaces aspartic acid 970 with glycine.
Molecular consequence: missense variant.
Genome position (GRCh38, 1-based): chr5:177,211,308, A>G. VCF-style: chr5-177211308-A-G. GRCh37 (hg19) VCF-style: chr5-176638309-A-G.
Other names: c.2036A>G, p.Asp679Gly (NM_001365684.2, NM_001409306.1, NM_001409307.1 and 3 more transcripts); c.2909A>G, p.Asp970Gly (NM_001409301.1, NM_001409302.1, NM_001409303.1); c.2489A>G, p.Asp830Gly (NM_001409304.1); c.2156A>G, p.Asp719Gly (NM_001409305.1); short protein forms D719G, D679G, D701G, D830G, D970G.
Identifiers: ClinVar variation 1797542 (VCV001797542.2), dbSNP rs1763317292, ClinGen allele CA362321065.
Genomic context (GRCh38, chr5:177,211,308, plus strand): 5'-TAGGAGTCTCTAAGGTTTTGGTTTCAGGAGGCTCCACACACAATTCAGAGAAAAAGGGAG[A>G]TGGCACTCAGAACTCCGCCAATCCTAGCCCTAGTGGGGGTGACTCTGCATTATCTGGCGA-3'
Protein context (NP_071900.2, residues 960-980): GSTHNSEKKG[Asp970Gly]GTQNSANPSP

ClinVar aggregate classification (germline): Uncertain significance (1 of 4 stars; one submission).

Conditions:
Inborn genetic diseases. Identifiers: MedGen C0950123, MeSH D030342.

Allele frequency attached by ClinVar (database versions not stated): gnomAD exomes below 0.00001; gnomAD 0.00001.
gnomAD v4.1: 3 of 1,613,984 alleles (0.00019%); highest among the groups gnomAD compares: African/African-American, 0.0027%; no homozygotes.

Submission:

Ambry Genetics
Classification: Uncertain significance for Inborn genetic diseases. Last evaluated: 2017-10-13. Review status: criteria provided, single submitter. Criteria: Ambry Variant Classification Scheme 2023. Collection method: clinical testing. Allele origin: germline.
Comment: The p.D970G variant (also known as c.2909A>G), located in coding exon 4 of the NSD1 gene, results from an A to G substitution at nucleotide position 2909. The aspartic acid at codon 970 is replaced by glycine, an amino acid with similar properties. This amino acid position is well conserved in available vertebrate species. In addition, the in silico prediction for this alteration is inconclusive. Since supporting evidence is limited at this time, the clinical significance of this alteration remains unclear.